The following is an entry in ClinVar:

NM_001077525.3(MTMR14):c.1855C>T (p.Arg619Trp)

Gene: MTMR14 (myotubularin related protein 14; plus strand). Cytogenetic location: 3p25.3.
Variant type: single nucleotide variant.
Coding change: c.1855C>T on transcript NM_001077525.3 (MANE Select); coding-DNA position 1855, C replaced by T.
Protein change: p.Arg619Trp; replaces arginine 619 with tryptophan.
Molecular consequence: missense variant.
Genome position (GRCh38, 1-based): chr3:9,701,875, C>T. VCF-style: chr3-9701875-C-T. GRCh37 (hg19) VCF-style: chr3-9743559-C-T.
Other names: c.1519C>T (NM_022485.4); c.1699C>T, p.Arg567Trp (NM_001077526.3); c.1519C>T, p.Arg507Trp (NM_022485.5); short protein forms R619W, R507W, R567W.
Identifiers: ClinVar variation 1423945 (VCV001423945.9), dbSNP rs200002439, ClinGen allele CA2240900.

ClinVar aggregate classification (germline): Uncertain significance. Review status: criteria provided, multiple submitters, no conflicts (2 of 4 stars). 2 submissions from 2 submitters: Uncertain significance (2). Last evaluated 2025-10-24.

Allele frequency attached by ClinVar (database versions not stated): gnomAD 0.00003 and 0.00001; 1000 Genomes Project 0.00040; 1000 Genomes Project 30x 0.00047; TOPMed 0.00001.
gnomAD v4.1: 21 of 1,614,030 alleles (0.0013%); highest among the groups gnomAD compares: South Asian, 0.0044%; no homozygotes.

Submissions (2):

Ambry Genetics
Classification: Uncertain significance. Last evaluated: 2025-10-24. Review status: criteria provided, single submitter. Criteria: Ambry Variant Classification Scheme 2023. Collection method: clinical testing. Allele origin: germline.

Labcorp Genetics (formerly Invitae), Labcorp
Classification: Uncertain significance. Last evaluated: 2021-07-01. Review status: criteria provided, single submitter. Criteria: Invitae Variant Classification Sherloc (09022015). Collection method: clinical testing. Allele origin: germline.
Comment: Algorithms developed to predict the effect of missense changes on protein structure and function (SIFT, PolyPhen-2, Align-GVGD) all suggest that this variant is likely to be disruptive. This variant has not been reported in the literature in individuals affected with MTMR14-related conditions. This variant is present in population databases (rs200002439, ExAC 0.01%). This sequence change replaces arginine with tryptophan at codon 507 of the MTMR14 protein (p.Arg507Trp). The arginine residue is moderately conserved and there is a moderate physicochemical difference between arginine and tryptophan. In summary, the available evidence is currently insufficient to determine the role of this variant in disease. Therefore, it has been classified as a Variant of Uncertain Significance.